The following is an entry in ClinVar:

NM_001378120.1(MBD5):c.3145C>A (p.Leu1049Ile)

Gene: MBD5 (methyl-CpG binding domain protein 5; plus strand). Cytogenetic location: 2q23.1.
Variant type: single nucleotide variant.
Coding change: c.3145C>A on transcript NM_001378120.1 (MANE Select); coding-DNA position 3145, C replaced by A.
Protein change: p.Leu1049Ile; replaces leucine 1049 with isoleucine.
Molecular consequence: missense variant. On other transcripts: intron variant (1).
Genome position (GRCh38, 1-based): chr2:148,483,736, C>A. VCF-style: chr2-148483736-C-A. GRCh37 (hg19) VCF-style: chr2-149241305-C-A.
Other names: c.2845+300C>A (NM_018328.5); short protein forms L1049I.
Identifiers: ClinVar variation 1879486 (VCV001879486.29), dbSNP rs551782728, ClinGen allele CA1900254.

ClinVar aggregate classification (germline): Likely benign (1 of 4 stars; one submission).

Allele frequency attached by ClinVar (database versions not stated): gnomAD 0.00039; 1000 Genomes Project 0.00040; ExAC 0.00042; TOPMed 0.00051; 1000 Genomes Project 30x 0.00078; gnomAD exomes 0.00125.
gnomAD v4.1: 1,794 of 1,550,610 alleles (0.12%); highest among the groups gnomAD compares: Non-Finnish European, 0.15%; 2 homozygotes.

Submission:

CeGaT Center for Human Genetics Tuebingen
Classification: Likely benign. Last evaluated: 2026-04-01. Review status: criteria provided, single submitter. Criteria: CeGaT Center For Human Genetics Tuebingen Variant Classification Criteria Version 2. Collection method: clinical testing. Allele origin: germline. Affected: yes. Observed: 5 variant alleles.
Comment: MBD5: BP4, BS1